The following is an entry in ClinVar:

ClinVar aggregate classification (germline): Uncertain significance (1 of 4 stars; one submission).

Conditions:
Dyskeratosis congenita. Identifiers: Orphanet 1775, MedGen C0265965, MONDO:0015780.

Allele frequency attached by ClinVar (database versions not stated): gnomAD 0.00001; gnomAD exomes 0.00001.
gnomAD v4.1: 18 of 1,613,838 alleles (0.0011%); highest among the groups gnomAD compares: Admixed American, 0.0017%; no homozygotes.

Submission:

Labcorp Genetics (formerly Invitae), Labcorp
Classification: Uncertain significance for Dyskeratosis congenita. Last evaluated: 2023-05-10. Review status: criteria provided, single submitter. Criteria: Invitae Variant Classification Sherloc (09022015). Collection method: clinical testing. Allele origin: germline.
Comment: In summary, the available evidence is currently insufficient to determine the role of this variant in disease. Therefore, it has been classified as a Variant of Uncertain Significance. An algorithm developed to predict the effect of missense changes on protein structure and function (PolyPhen-2) suggests that this variant is likely to be tolerated. ClinVar contains an entry for this variant (Variation ID: 2039052). This variant has not been reported in the literature in individuals affected with CTC1-related conditions. This variant is present in population databases (no rsID available, gnomAD 0.006%). This sequence change replaces serine, which is neutral and polar, with leucine, which is neutral and non-polar, at codon 1166 of the CTC1 protein (p.Ser1166Leu).

NM_025099.6(CTC1):c.3497C>T (p.Ser1166Leu)

Gene: CTC1 (CST telomere replication complex component 1; minus strand). Cytogenetic location: 17p13.1.
Variant type: single nucleotide variant.
Coding change: c.3497C>T on transcript NM_025099.6 (MANE Select); coding-DNA position 3497, C replaced by T.
Protein change: p.Ser1166Leu; replaces serine 1166 with leucine.
Molecular consequence: missense variant. On other transcripts: non-coding transcript variant (1).
Genome position (GRCh38, 1-based): chr17:8,228,520, G>A on the plus strand (C>T on the coding strand, the complement: CTC1 is on the minus strand). VCF-style: chr17-8228520-G-A. GRCh37 (hg19) VCF-style: chr17-8131838-G-A.
Other names: c.3266C>T, p.Ser1089Leu (NM_001411067.1); short protein forms S1166L, S1089L.
Identifiers: ClinVar variation 2039052 (VCV002039052.4), dbSNP rs1348240713, ClinGen allele CA397968201.